The following is an entry in ClinVar:

NM_014956.5(CEP164):c.1724+1G>A

Gene: CEP164 (centrosomal protein 164; plus strand). Cytogenetic location: 11q23.3.
Variant type: single nucleotide variant.
Coding change: c.1724+1G>A on transcript NM_014956.5 (MANE Select); the canonical splice donor site of the intron after coding-DNA position 1724, G replaced by A.
Molecular consequence: splice donor variant.
Genome position (GRCh38, 1-based): chr11:117,382,943, G>A. VCF-style: chr11-117382943-G-A. GRCh37 (hg19) VCF-style: chr11-117253659-G-A.
Other names: c.1733+1G>A (NM_001271933.2).
Identifiers: ClinVar variation 1060026 (VCV001060026.10), dbSNP rs1489883516, ClinGen allele CA382714167.

ClinVar aggregate classification (germline): Likely pathogenic. Review status: criteria provided, multiple submitters, no conflicts (2 of 4 stars). 3 submissions from 3 submitters: Likely pathogenic (3). Last evaluated 2025-07-23.

Conditions:
Nephronophthisis 15 (NPHP15). Identifiers: Orphanet 3156, MedGen C3541853, MONDO:0013917, OMIM 614845.
CEP164-related disorder. Also called: CEP164-related condition.

Allele frequency attached by ClinVar (database versions not stated): gnomAD 0.00001; TOPMed 0.00003.
gnomAD v4.1: 9 of 1,612,174 alleles (0.00056%); highest among the groups gnomAD compares: African/African-American, 0.012%; no homozygotes.

Submissions (3):

Labcorp Genetics (formerly Invitae), Labcorp
Classification: Likely pathogenic for Nephronophthisis 15. Last evaluated: 2025-07-23. Review status: criteria provided, single submitter. Criteria: Invitae Variant Classification Sherloc (09022015). Collection method: clinical testing. Allele origin: germline.
Comment: This sequence change affects a donor splice site in intron 14 of the CEP164 gene. It is expected to disrupt RNA splicing. Variants that disrupt the donor or acceptor splice site typically lead to a loss of protein function (PMID: 16199547), and loss-of-function variants in CEP164 are known to be pathogenic (PMID: 22863007, 28125082, 32367404, 34132027, 34499853). This variant is present in population databases (no rsID available, gnomAD 0.01%). This variant has not been reported in the literature in individuals affected with CEP164-related conditions. ClinVar contains an entry for this variant (Variation ID: 1060026). Algorithms developed to predict the effect of sequence changes on RNA splicing suggest that this variant may disrupt the consensus splice site. In summary, the currently available evidence indicates that the variant is pathogenic, but additional data are needed to prove that conclusively. Therefore, this variant has been classified as Likely Pathogenic.

Blueprint Genetics
Classification: Likely pathogenic for CEP164-related disorders. Last evaluated: 2024-09-25. Review status: criteria provided, single submitter. Criteria: ACMG Guidelines, 2015. Collection method: clinical testing. Allele origin: germline. Affected: yes. Observed: 4 variant alleles.

Fulgent Genetics
Classification: Likely pathogenic for Nephronophthisis 15. Last evaluated: 2024-01-09. Review status: criteria provided, single submitter. Criteria: ACMG Guidelines, 2015. Collection method: clinical testing. Allele origin: germline.

Literature cited by the submitters: PubMed 16199547 (cited by Labcorp Genetics (formerly Invitae), Labcorp); PubMed 22863007 (cited by Labcorp Genetics (formerly Invitae), Labcorp); PubMed 28125082 (cited by Labcorp Genetics (formerly Invitae), Labcorp); PubMed 32367404 (cited by Labcorp Genetics (formerly Invitae), Labcorp); PubMed 34132027 (cited by Labcorp Genetics (formerly Invitae), Labcorp); PubMed 34499853 (cited by Labcorp Genetics (formerly Invitae), Labcorp).